The following is an entry in ClinVar:

ClinVar aggregate classification (germline): Pathogenic (1 of 4 stars; one submission).

Submission:

Labcorp Genetics (formerly Invitae), Labcorp
Classification: Pathogenic. Last evaluated: 2023-01-10. Review status: criteria provided, single submitter. Criteria: Invitae Variant Classification Sherloc (09022015). Collection method: clinical testing. Allele origin: unknown.
Comment: For these reasons, this variant has been classified as Pathogenic. This variant has not been reported in the literature in individuals affected with MPDZ-related conditions. This variant is a gross deletion of the genomic region encompassing exon(s) 11-23 of the MPDZ gene. This deletion is out-of-frame, and is expected to create a premature termination codon and result in an absent or disrupted protein product. Loss-of-function variants in MPDZ are known to be pathogenic (PMID: 23240096, 28556411).

Literature cited by the submitters: PubMed 23240096; PubMed 28556411.

NC_000009.11:g.(?_13162670)_(13206118_?)del

Gene: MPDZ (multiple PDZ domain crumbs cell polarity complex component; minus strand). Cytogenetic location: 9p23.
Variant type: Deletion.
Identifiers: ClinVar variation 3245324 (VCV003245324.1).